The following is an entry in ClinVar:

ClinVar aggregate classification (germline): Uncertain significance (1 of 4 stars; one submission).

Conditions:
Developmental and epileptic encephalopathy, 25 (DEE25). Also called: Developmental and epileptic encephalopathy 25, with amelogenesis imperfecta; Epileptic encephalopathy, early infantile, 25, with amelogenesis imperfecta; Epileptic encephalopathy, early infantile, 25. Identifiers: Orphanet 442835, MedGen C4014621, MONDO:0014392, OMIM 615905.

Submission:

Labcorp Genetics (formerly Invitae), Labcorp
Classification: Uncertain significance for Developmental and epileptic encephalopathy, 25. Last evaluated: 2017-04-25. Review status: criteria provided, single submitter. Criteria: Invitae Variant Classification Sherloc (09022015). Collection method: clinical testing. Allele origin: germline.
Comment: This sequence change replaces alanine with glutamic acid at codon 315 of the SLC13A5 protein (p.Ala315Glu). The alanine residue is moderately conserved and there is a moderate physicochemical difference between alanine and glutamic acid. This variant is not present in population databases (ExAC no frequency) and has not been reported in the literature in individuals with a SLC13A5-related disease. Algorithms developed to predict the effect of missense changes on protein structure and function do not agree on the potential impact of this missense change (SIFT: "Tolerated"; PolyPhen-2: "Possibly Damaging"; Align-GVGD: "Class C0"). Algorithms developed to predict the effect of sequence changes on RNA splicing suggest that this variant may alter RNA splicing, but this prediction has not been confirmed by published transcriptional studies. In summary, this variant is a novel missense change with uncertain impact on protein function. It has been classified as a Variant of Uncertain Significance.

NM_177550.5(SLC13A5):c.944C>A (p.Ala315Glu)

Gene: SLC13A5 (solute carrier family 13 member 5; minus strand). Cytogenetic location: 17p13.1.
Variant type: single nucleotide variant.
Coding change: c.944C>A on transcript NM_177550.5 (MANE Select); coding-DNA position 944, C replaced by A.
Protein change: p.Ala315Glu; replaces alanine 315 with glutamic acid.
Molecular consequence: missense variant.
Genome position (GRCh38, 1-based): chr17:6,695,837, G>T on the plus strand (C>A on the coding strand, the complement: SLC13A5 is on the minus strand). VCF-style: chr17-6695837-G-T. GRCh37 (hg19) VCF-style: chr17-6599156-G-T.
Other names: c.944C>A, p.Ala315Glu (NM_001143838.3); c.893C>A, p.Ala298Glu (NM_001284509.2); c.815C>A, p.Ala272Glu (NM_001284510.2); short protein forms A315E, A272E, A298E.
Identifiers: ClinVar variation 475202 (VCV000475202.1), dbSNP rs138841868, ClinGen allele CA397744434.